The following is an entry in ClinVar:

NM_000081.4(LYST):c.4982T>C (p.Leu1661Ser)

Gene: LYST (lysosomal trafficking regulator; minus strand). Cytogenetic location: 1q42.3.
Variant type: single nucleotide variant.
Coding change: c.4982T>C on transcript NM_000081.4 (MANE Select); coding-DNA position 4982, T replaced by C.
Protein change: p.Leu1661Ser; replaces leucine 1661 with serine.
Molecular consequence: missense variant.
Genome position (GRCh38, 1-based): chr1:235,781,968, A>G on the plus strand (T>C on the coding strand, the complement: LYST is on the minus strand). VCF-style: chr1-235781968-A-G. GRCh37 (hg19) VCF-style: chr1-235945268-A-G.
Other names: c.4982T>C, p.Leu1661Ser (NM_001301365.1); short protein forms L1661S.
Identifiers: ClinVar variation 2189965 (VCV002189965.1), dbSNP rs2528042900, ClinGen allele CA344955934.

ClinVar aggregate classification (germline): Uncertain significance (1 of 4 stars; one submission).

Conditions:
Chédiak-Higashi syndrome (CHS). Also called: Chediak-Higashi Syndrome. Identifiers: Orphanet 167, MedGen C0007965, MONDO:0008963, OMIM 214500.

Allele frequency attached by ClinVar (database versions not stated): gnomAD exomes below 0.00001.
gnomAD v4.1: 1 of 1,613,904 alleles (0.000062%); highest among the groups gnomAD compares: Non-Finnish European, 0.000085%; no homozygotes.

Submission:

Labcorp Genetics (formerly Invitae), Labcorp
Classification: Uncertain significance for Chédiak-Higashi syndrome. Last evaluated: 2022-09-26. Review status: criteria provided, single submitter. Criteria: Invitae Variant Classification Sherloc (09022015). Collection method: clinical testing. Allele origin: germline.
Comment: This sequence change replaces leucine, which is neutral and non-polar, with serine, which is neutral and polar, at codon 1661 of the LYST protein (p.Leu1661Ser). This variant is not present in population databases (gnomAD no frequency). This variant has not been reported in the literature in individuals affected with LYST-related conditions. Advanced modeling of protein sequence and biophysical properties (such as structural, functional, and spatial information, amino acid conservation, physicochemical variation, residue mobility, and thermodynamic stability) performed at Invitae indicates that this missense variant is not expected to disrupt LYST protein function. In summary, the available evidence is currently insufficient to determine the role of this variant in disease. Therefore, it has been classified as a Variant of Uncertain Significance.